The following is an entry in ClinVar:

NM_001352754.2(ARMC9):c.815G>A (p.Arg272His)

Gene: ARMC9 (armadillo repeat containing 9; plus strand). Cytogenetic location: 2q37.1.
Variant type: single nucleotide variant.
Coding change: c.815G>A on transcript NM_001352754.2 (MANE Select); coding-DNA position 815, G replaced by A.
Protein change: p.Arg272His; replaces arginine 272 with histidine.
Molecular consequence: missense variant. On other transcripts: non-coding transcript variant (1), intron variant (2).
Genome position (GRCh38, 1-based): chr2:231,239,977, G>A. VCF-style: chr2-231239977-G-A. GRCh37 (hg19) VCF-style: chr2-232104690-G-A.
Other names: c.815G>A, p.Arg272His (NM_001271466.4, NM_001291656.2, NM_001352755.2 and 3 more transcripts); c.780+4596G>A (NM_001352757.2, NM_001352758.2); short protein forms R272H.
Identifiers: ClinVar variation 1399148 (VCV001399148.5), dbSNP rs760933165, ClinGen allele CA2160058.

ClinVar aggregate classification (germline): Uncertain significance (1 of 4 stars; one submission).

Allele frequency attached by ClinVar (database versions not stated): gnomAD exomes below 0.00001; ExAC 0.00001; gnomAD 0.00001.
gnomAD v4.1: 9 of 1,613,888 alleles (0.00056%); highest among the groups gnomAD compares: African/African-American, 0.0027%; no homozygotes.

Submission:

Labcorp Genetics (formerly Invitae), Labcorp
Classification: Uncertain significance. Last evaluated: 2022-08-16. Review status: criteria provided, single submitter. Criteria: Invitae Variant Classification Sherloc (09022015). Collection method: clinical testing. Allele origin: germline.
Comment: ClinVar contains an entry for this variant (Variation ID: 1399148). This variant has not been reported in the literature in individuals affected with ARMC9-related conditions. This variant is present in population databases (rs760933165, gnomAD 0.0009%). This sequence change replaces arginine, which is basic and polar, with histidine, which is basic and polar, at codon 272 of the ARMC9 protein (p.Arg272His). Experimental studies and prediction algorithms are not available or were not evaluated, and the functional significance of this variant is currently unknown. In summary, the available evidence is currently insufficient to determine the role of this variant in disease. Therefore, it has been classified as a Variant of Uncertain Significance.